The following is an entry in ClinVar:

ClinVar aggregate classification (germline): Pathogenic/Likely pathogenic. Review status: criteria provided, multiple submitters, no conflicts (2 of 4 stars). 2 submissions from 2 submitters: Pathogenic (1); Likely pathogenic (1). Last evaluated 2024-08-27.

Conditions:
Peroxisome biogenesis disorder. Identifiers: Orphanet 79189, MedGen C1832200, MONDO:0019234. Disease mechanism: loss of function.
Zellweger spectrum disorders (ZS). Also called: Zellweger Spectrum Disorder; Zellweger Spectrum; Zellweger syndrome; Zellweger Spectrum Disorder (ZSD). Identifiers: Orphanet 912, MedGen C0043459, MONDO:0019609.

Submissions (2):

Natera, Inc.
Classification: Likely pathogenic for Zellweger syndrome. Last evaluated: 2024-08-27. Review status: criteria provided, single submitter. Criteria: Natera Variant Classification Schema (03/2026). Collection method: clinical testing. Allele origin: germline.
Comment: The c.237_238del variant in PEX6 is a frameshift variant predicted to shift the reading frame beginning at codon 80 and leads to a stop codon 79 codons downstream. This variant is expected to result in nonsense mediated decay, truncation, or a dysfunctional protein product. This variant is rare in the general population with a frequency below the threshold expected for the associated phenotype(s). Given the available evidence, this variant is classified as Likely Pathogenic.

Labcorp Genetics (formerly Invitae), Labcorp
Classification: Pathogenic for Peroxisome biogenesis disorder. Last evaluated: 2019-05-13. Review status: criteria provided, single submitter. Criteria: Invitae Variant Classification Sherloc (09022015). Collection method: clinical testing. Allele origin: germline.
Comment: This variant has not been reported in the literature in individuals with PEX6-related conditions. The frequency data for this variant in the population databases is considered unreliable, as metrics indicate insufficient coverage at this position in the ExAC database. This sequence change creates a premature translational stop signal (p.Leu80Alafs*79) in the PEX6 gene. It is expected to result in an absent or disrupted protein product. Loss-of-function variants in PEX6 are known to be pathogenic (PMID: 8670792, 19877282, 21031596). For these reasons, this variant has been classified as Pathogenic.

Literature cited by the submitters: PubMed 8670792 (cited by Labcorp Genetics (formerly Invitae), Labcorp); PubMed 19877282 (cited by Labcorp Genetics (formerly Invitae), Labcorp); PubMed 21031596 (cited by Labcorp Genetics (formerly Invitae), Labcorp).

NM_000287.4(PEX6):c.237_238del (p.Leu80fs)

Gene: PEX6 (peroxisomal biogenesis factor 6; minus strand). Cytogenetic location: 6p21.1.
Variant type: Microsatellite.
Coding change: c.237_238del on transcript NM_000287.4 (MANE Select); coding-DNA positions 237 to 238, 2 bases deleted (GC; older notation c.237_238delGC).
Protein change: p.Leu80fs; shifts the reading frame from leucine 80.
Molecular consequence: frameshift variant. On other transcripts: non-coding transcript variant (1).
Genome position (GRCh38, 1-based): chr6:42,978,913-42,978,914, GC deleted on the plus strand (GC on the coding strand, the reverse complement: PEX6 is on the minus strand); deleting any 2 consecutive bases within chr6:42,978,913-42,978,919 gives the same sequence; the c. name uses the placement nearest the transcript's 3' end. VCF-style (leftmost placement, unchanged base first): chr6-42978912-AGC-A. GRCh37 (hg19) VCF-style: chr6-42946650-AGC-A.
Other names: c.237_238del, p.Leu80fs (NM_001316313.2); short protein forms L80fs.
Identifiers: ClinVar variation 837284 (VCV000837284.9), dbSNP rs1178535907, ClinGen allele CA567149942.